The following is an entry in ClinVar:

NM_001330360.2(POLA1):c.3999C>G (p.Ser1333Arg)

Gene: POLA1 (DNA polymerase alpha 1, catalytic subunit; plus strand). Cytogenetic location: Xp22.11.
Variant type: single nucleotide variant.
Coding change: c.3999C>G on transcript NM_001330360.2 (MANE Select); coding-DNA position 3999, C replaced by G.
Protein change: p.Ser1333Arg; replaces serine 1333 with arginine.
Molecular consequence: missense variant. On other transcripts: non-coding transcript variant (2).
Genome position (GRCh38, 1-based): chrX:24,843,629, C>G. VCF-style: chrX-24843629-C-G. GRCh37 (hg19) VCF-style: chrX-24861746-C-G.
Other names: c.3924C>G, p.Ser1308Arg (NM_001378303.1); c.3999C>G, p.Ser1333Arg (NM_001440806.1); c.3981C>G, p.Ser1327Arg (NM_016937.4); short protein forms S1308R, S1327R, S1333R.
Identifiers: ClinVar variation 4811112 (VCV004811112.1).

ClinVar aggregate classification (germline): Uncertain significance (1 of 4 stars; one submission).

gnomAD v4.1: 2 of 1,182,977 alleles (0.00017%); highest among the groups gnomAD compares: Non-Finnish European, 0.00023%; no homozygotes.

Submission:

Labcorp Genetics (formerly Invitae), Labcorp
Classification: Uncertain significance. Last evaluated: 2025-10-08. Review status: criteria provided, single submitter. Criteria: Invitae Variant Classification Sherloc (09022015). Collection method: clinical testing. Allele origin: germline.
Comment: This sequence change replaces serine, which is neutral and polar, with arginine, which is basic and polar, at codon 1327 of the POLA1 protein (p.Ser1327Arg). This variant is not present in population databases (gnomAD no frequency). This variant has not been reported in the literature in individuals affected with POLA1-related conditions. Invitae Evidence Modeling of protein sequence and biophysical properties (such as structural, functional, and spatial information, amino acid conservation, physicochemical variation, residue mobility, and thermodynamic stability) indicates that this missense variant is not expected to disrupt POLA1 protein function with a negative predictive value of 80%. In summary, the available evidence is currently insufficient to determine the role of this variant in disease. Therefore, it has been classified as a Variant of Uncertain Significance.